The following is an entry in ClinVar:

NM_182931.3(KMT2E):c.5061C>T (p.Ala1687=)

Gene: KMT2E (lysine methyltransferase 2E (inactive); plus strand). Cytogenetic location: 7q22.3.
Variant type: single nucleotide variant.
Coding change: c.5061C>T on transcript NM_182931.3 (MANE Select); coding-DNA position 5061, C replaced by T.
Protein change: p.Ala1687=; no amino-acid change (alanine 1687 retained).
Molecular consequence: synonymous variant.
Genome position (GRCh38, 1-based): chr7:105,112,817, C>T. VCF-style: chr7-105112817-C-T. GRCh37 (hg19) VCF-style: chr7-104753264-C-T.
Other names: c.5061C>T (NM_182931.2); c.4935C>T, p.Ala1645= (NM_001410908.1); c.5061C>T, p.Ala1687= (NM_018682.4).
Identifiers: ClinVar variation 2020087 (VCV002020087.30), dbSNP rs149720943, ClinGen allele CA4424902.

ClinVar aggregate classification (germline): Benign. Review status: criteria provided, multiple submitters, no conflicts (2 of 4 stars). 3 submissions from 3 submitters: Benign (2). 1 of the submissions does not count toward it. Last evaluated 2026-09-01.

Conditions:
KMT2E-related disorder. Also called: KMT2E-related condition.

Allele frequency attached by ClinVar (database versions not stated): 1000 Genomes Project 0.00160; 1000 Genomes Project 30x 0.00203; TOPMed 0.00697; gnomAD 0.00723; ExAC 0.00838; ESP Exome Variant Server 0.00853; gnomAD exomes 0.01129.
gnomAD v4.1: 17,264 of 1,584,962 alleles (1.1%); highest among the groups gnomAD compares: Non-Finnish European, 1.3%; 109 homozygotes.

Submissions (3):

CeGaT Center for Human Genetics Tuebingen
Classification: Benign. Last evaluated: 2026-09-01. Review status: criteria provided, single submitter. Criteria: CeGaT Center For Human Genetics Tuebingen Variant Classification Criteria Version 2. Collection method: clinical testing. Allele origin: germline. Affected: yes. Observed: 40 variant alleles.
Comment: KMT2E: BP4, BP7, BS1, BS2

Labcorp Genetics (formerly Invitae), Labcorp
Classification: Benign. Last evaluated: 2026-02-03. Review status: criteria provided, single submitter. Criteria: Invitae Variant Classification Sherloc (09022015). Collection method: clinical testing. Allele origin: germline.

PreventionGenetics, part of Exact Sciences
Classification: Benign for KMT2E-related condition. Last evaluated: 2024-02-21. Review status: no assertion criteria provided. Collection method: clinical testing. Allele origin: germline. Not counted in ClinVar's aggregate classification.
Comment: This variant is classified as benign based on ACMG/AMP sequence variant interpretation guidelines (Richards et al. 2015 PMID: 25741868, with internal and published modifications).